The following is an entry in ClinVar:

NM_003737.4(DCHS1):c.8800A>G (p.Asn2934Asp)

Gene: DCHS1 (dachsous cadherin-related 1; minus strand). Cytogenetic location: 11p15.4.
Variant type: single nucleotide variant.
Coding change: c.8800A>G on transcript NM_003737.4 (MANE Select); coding-DNA position 8800, A replaced by G.
Protein change: p.Asn2934Asp; replaces asparagine 2934 with aspartic acid.
Molecular consequence: missense variant.
Genome position (GRCh38, 1-based): chr11:6,622,876, T>C on the plus strand (A>G on the coding strand, the complement: DCHS1 is on the minus strand). VCF-style: chr11-6622876-T-C. GRCh37 (hg19) VCF-style: chr11-6644107-T-C.
Other names: c.8800A>G (NM_003737.3); short protein forms N2934D.
Identifiers: ClinVar variation 1094038 (VCV001094038.10), dbSNP rs539239282, ClinGen allele CA5859358.

ClinVar aggregate classification (germline): Likely benign. Review status: criteria provided, multiple submitters, no conflicts (2 of 4 stars). 2 submissions from 2 submitters: Likely benign (2). Last evaluated 2026-01-27.

Conditions:
DCHS1-related disorder. Also called: DCHS1-related condition.

Allele frequency attached by ClinVar (database versions not stated): TOPMed 0.00016; gnomAD exomes 0.00019; ExAC 0.00029; 1000 Genomes Project 0.00060; 1000 Genomes Project 30x 0.00078; gnomAD 0.00011 and 0.00013.
gnomAD v4.1: 110 of 1,596,902 alleles (0.0069%); highest among the groups gnomAD compares: East Asian, 0.13%; no homozygotes.

Submissions (2):

Labcorp Genetics (formerly Invitae), Labcorp
Classification: Likely benign. Last evaluated: 2026-01-27. Review status: criteria provided, single submitter. Criteria: Invitae Variant Classification Sherloc (09022015). Collection method: clinical testing. Allele origin: germline.

PreventionGenetics, part of Exact Sciences
Classification: Likely benign for DCHS1-related condition. Last evaluated: 2025-04-11. Review status: criteria provided, single submitter. Criteria: ACMG Guidelines, 2015. Collection method: clinical testing. Allele origin: germline.
Comment: This variant is classified as likely benign based on ACMG/AMP sequence variant interpretation guidelines (Richards et al. 2015 PMID: 25741868, with internal and published modifications).